The following is an entry in ClinVar:

ClinVar aggregate classification (germline): Uncertain significance (1 of 4 stars; one submission).

Allele frequency attached by ClinVar (database versions not stated): TOPMed below 0.00001.

Submission:

Labcorp Genetics (formerly Invitae), Labcorp
Classification: Uncertain significance. Last evaluated: 2022-08-09. Review status: criteria provided, single submitter. Criteria: Invitae Variant Classification Sherloc (09022015). Collection method: clinical testing. Allele origin: germline.
Comment: In summary, the available evidence is currently insufficient to determine the role of this variant in disease. Therefore, it has been classified as a Variant of Uncertain Significance. Algorithms developed to predict the effect of missense changes on protein structure and function output the following: SIFT: "Deleterious"; PolyPhen-2: "Benign"; Align-GVGD: "Class C55". The valine amino acid residue is found in multiple mammalian species, which suggests that this missense change does not adversely affect protein function. This variant has not been reported in the literature in individuals affected with NBAS-related conditions. This variant is not present in population databases (gnomAD no frequency). This sequence change replaces alanine, which is neutral and non-polar, with valine, which is neutral and non-polar, at codon 295 of the NBAS protein (p.Ala295Val).

NM_015909.4(NBAS):c.884C>T (p.Ala295Val)

Gene: NBAS (NBAS subunit of NRZ tethering complex; minus strand). Cytogenetic location: 2p24.3.
Variant type: single nucleotide variant.
Coding change: c.884C>T on transcript NM_015909.4 (MANE Select); coding-DNA position 884, C replaced by T.
Protein change: p.Ala295Val; replaces alanine 295 with valine.
Molecular consequence: missense variant. On other transcripts: non-coding transcript variant (1).
Genome position (GRCh38, 1-based): chr2:15,511,213, G>A on the plus strand (C>T on the coding strand, the complement: NBAS is on the minus strand). VCF-style: chr2-15511213-G-A. GRCh37 (hg19) VCF-style: chr2-15651337-G-A.
Other names: short protein forms A295V.
Identifiers: ClinVar variation 1929690 (VCV001929690.4), dbSNP rs980855502, ClinGen allele CA42647571.